The following is an entry in ClinVar:

ClinVar aggregate classification (germline): Uncertain significance (1 of 4 stars; one submission).

Conditions:
Spermatogenic failure 18. Identifiers: MedGen C4539783, MONDO:0054615, OMIM 617576.
Ciliary dyskinesia, primary, 37 (CILD37). Also called: CILIARY DYSKINESIA, PRIMARY, 37, WITH OR WITHOUT SITUS INVERSUS. Identifiers: MedGen C4539798, MONDO:0033204, OMIM 617577.

Allele frequency attached by ClinVar (database versions not stated): gnomAD 0.00001; gnomAD exomes 0.00001; TOPMed 0.00001.
gnomAD v4.1: 20 of 1,613,808 alleles (0.0012%); highest among the groups gnomAD compares: Non-Finnish European, 0.0016%; no homozygotes.

Submission:

Labcorp Genetics (formerly Invitae), Labcorp
Classification: Uncertain significance for Ciliary dyskinesia, primary, 37; Spermatogenic failure 18. Last evaluated: 2024-10-21. Review status: criteria provided, single submitter. Criteria: Invitae Variant Classification Sherloc (09022015). Collection method: clinical testing. Allele origin: germline.
Comment: This sequence change replaces isoleucine, which is neutral and non-polar, with leucine, which is neutral and non-polar, at codon 2639 of the DNAH1 protein (p.Ile2639Leu). This variant is present in population databases (no rsID available, gnomAD 0.002%). This variant has not been reported in the literature in individuals affected with DNAH1-related conditions. Invitae Evidence Modeling of protein sequence and biophysical properties (such as structural, functional, and spatial information, amino acid conservation, physicochemical variation, residue mobility, and thermodynamic stability) indicates that this missense variant is not expected to disrupt DNAH1 protein function with a negative predictive value of 80%. In summary, the available evidence is currently insufficient to determine the role of this variant in disease. Therefore, it has been classified as a Variant of Uncertain Significance.

NM_015512.5(DNAH1):c.7915A>C (p.Ile2639Leu)

Gene: DNAH1 (dynein axonemal heavy chain 1; plus strand). Cytogenetic location: 3p21.1.
Variant type: single nucleotide variant.
Coding change: c.7915A>C on transcript NM_015512.5 (MANE Select); coding-DNA position 7915, A replaced by C.
Protein change: p.Ile2639Leu; replaces isoleucine 2639 with leucine.
Molecular consequence: missense variant.
Genome position (GRCh38, 1-based): chr3:52,382,429, A>C. VCF-style: chr3-52382429-A-C. GRCh37 (hg19) VCF-style: chr3-52416445-A-C.
Other names: short protein forms I2639L.
Identifiers: ClinVar variation 2929216 (VCV002929216.2), dbSNP rs1206574854, ClinGen allele CA353183125.